The following is an entry in ClinVar:

ClinVar aggregate classification (germline): Uncertain significance (1 of 4 stars; one submission).

Conditions:
Retinitis pigmentosa 12 (RP12). Also called: RP WITH OR WITHOUT PPRPE; RP WITH OR WITHOUT PRESERVED PARAARTERIOLE RETINAL PIGMENT EPITHELIUM; RETINITIS PIGMENTOSA WITH OR WITHOUT PARAARTERIOLAR PRESERVATION OF RETINAL PIGMENT EPITHELIUM. Identifiers: Orphanet 791, MedGen C1838647, MONDO:0010818, OMIM 600105.
Leber congenital amaurosis 8 (LCA8). Identifiers: Orphanet 65, MedGen C3151202, MONDO:0013453, OMIM 613835.

Allele frequency attached by ClinVar (database versions not stated): TOPMed 0.00002.
gnomAD v4.1: 4 of 1,614,204 alleles (0.00025%); highest among the groups gnomAD compares: East Asian, 0.0022%; no homozygotes.

Submission:

Labcorp Genetics (formerly Invitae), Labcorp
Classification: Uncertain significance for Leber congenital amaurosis 8; Retinitis pigmentosa 12. Last evaluated: 2024-07-24. Review status: criteria provided, single submitter. Criteria: Invitae Variant Classification Sherloc (09022015). Collection method: clinical testing. Allele origin: germline.
Comment: This sequence change replaces arginine, which is basic and polar, with histidine, which is basic and polar, at codon 686 of the CRB1 protein (p.Arg686His). The frequency data for this variant in the population databases is considered unreliable, as metrics indicate poor data quality at this position in the gnomAD database. This variant has not been reported in the literature in individuals affected with CRB1-related conditions. ClinVar contains an entry for this variant (Variation ID: 1006810). An algorithm developed to predict the effect of missense changes on protein structure and function outputs the following: PolyPhen-2: "Benign". The histidine amino acid residue is found in multiple mammalian species, which suggests that this missense change does not adversely affect protein function. In summary, the available evidence is currently insufficient to determine the role of this variant in disease. Therefore, it has been classified as a Variant of Uncertain Significance.

NM_201253.3(CRB1):c.2057G>A (p.Arg686His)

Gene: CRB1 (crumbs cell polarity complex component 1; plus strand). Cytogenetic location: 1q31.3.
Variant type: single nucleotide variant.
Coding change: c.2057G>A on transcript NM_201253.3 (MANE Select); coding-DNA position 2057, G replaced by A.
Protein change: p.Arg686His; replaces arginine 686 with histidine.
Molecular consequence: missense variant. On other transcripts: non-coding transcript variant (2).
Genome position (GRCh38, 1-based): chr1:197,421,885, G>A. VCF-style: chr1-197421885-G-A. GRCh37 (hg19) VCF-style: chr1-197391015-G-A.
Other names: c.1721G>A, p.Arg574His (NM_001193640.2); c.1850G>A, p.Arg617His (NM_001257965.2); c.2057G>A, p.Arg686His (NM_001257966.2); short protein forms R574H, R617H, R686H.
Identifiers: ClinVar variation 1006810 (VCV001006810.3), dbSNP rs1281817527, ClinGen allele CA344033800.